The following is an entry in ClinVar:

NM_001001563.5(TIMM50):c.108+60A>G

Gene: TIMM50 (translocase of inner mitochondrial membrane 50; plus strand). Cytogenetic location: 19q13.2.
Variant type: single nucleotide variant.
Coding change: c.108+60A>G on transcript NM_001001563.5 (MANE Select); 60 bases into the intron after coding-DNA position 108, A replaced by G.
Molecular consequence: intron variant.
Genome position (GRCh38, 1-based): chr19:39,481,021, A>G. VCF-style: chr19-39481021-A-G. GRCh37 (hg19) VCF-style: chr19-39971661-A-G.
Other names: c.-173+60A>G (NM_001329559.2).
Identifiers: ClinVar variation 2578827 (VCV002578827.25), dbSNP rs147393132, ClinGen allele CA308237143.

ClinVar aggregate classification (germline): Likely benign (1 of 4 stars; one submission).

Allele frequency attached by ClinVar (database versions not stated): 1000 Genomes Project 30x 0.00125; 1000 Genomes Project 0.00140; TOPMed 0.00490; gnomAD 0.00737; gnomAD exomes 0.00845.
gnomAD v4.1: 12,310 of 1,493,476 alleles (0.82%); highest among the groups gnomAD compares: Non-Finnish European, 0.9%; 86 homozygotes.

Submission:

CeGaT Center for Human Genetics Tuebingen
Classification: Likely benign. Last evaluated: 2023-07-01. Review status: criteria provided, single submitter. Criteria: CeGaT Center For Human Genetics Tuebingen Variant Classification Criteria Version 2. Collection method: clinical testing. Allele origin: germline. Affected: yes. Observed: 4 variant alleles.
Comment: TIMM50: BS2